The following is an entry in ClinVar:

NM_058004.4(PI4KA):c.2005-4C>T

Gene: PI4KA (phosphatidylinositol 4-kinase alpha; minus strand). Cytogenetic location: 22q11.21.
Variant type: single nucleotide variant.
Coding change: c.2005-4C>T on transcript NM_058004.4 (MANE Select); 4 bases into the intron before coding-DNA position 2005, C replaced by T.
Molecular consequence: intron variant.
Genome position (GRCh38, 1-based): chr22:20,798,691, G>A on the plus strand (C>T on the coding strand, the complement: PI4KA is on the minus strand). VCF-style: chr22-20798691-G-A. GRCh37 (hg19) VCF-style: chr22-21152979-G-A.
Other names: c.1939-4C>T (NM_001362863.2); c.2005-4C>T (NM_001362862.2).
Identifiers: ClinVar variation 3045351 (VCV003045351.2), dbSNP rs201570041, ClinGen allele CA10116267.

ClinVar aggregate classification (germline): Likely benign (0 of 4 stars; one submission).

Conditions:
PI4KA-related disorder. Also called: PI4KA-related disorders; PI4KA-related condition. Identifiers: MedGen CN378147, MONDO:1040012.

Allele frequency attached by ClinVar (database versions not stated): 1000 Genomes Project 30x 0.00016; 1000 Genomes Project 0.00020; ESP Exome Variant Server 0.00023; ExAC 0.00038; TOPMed 0.00045; gnomAD exomes 0.00046; gnomAD 0.00048.
gnomAD v4.1: 748 of 1,597,738 alleles (0.047%); highest among the groups gnomAD compares: Admixed American, 0.12%; no homozygotes.

Submission:

PreventionGenetics, part of Exact Sciences
Classification: Likely benign for PI4KA-related condition. Last evaluated: 2023-12-28. Review status: no assertion criteria provided. Collection method: clinical testing. Allele origin: germline.
Comment: This variant is classified as likely benign based on ACMG/AMP sequence variant interpretation guidelines (Richards et al. 2015 PMID: 25741868, with internal and published modifications).